The following is an entry in ClinVar:

NM_004700.4(KCNQ4):c.1954C>G (p.Leu652Val)

Gene: KCNQ4 (potassium voltage-gated channel subfamily Q member 4; plus strand). Cytogenetic location: 1p34.2.
Variant type: single nucleotide variant.
Coding change: c.1954C>G on transcript NM_004700.4 (MANE Select); coding-DNA position 1954, C replaced by G.
Protein change: p.Leu652Val; replaces leucine 652 with valine.
Molecular consequence: missense variant.
Genome position (GRCh38, 1-based): chr1:40,838,389, C>G. VCF-style: chr1-40838389-C-G. GRCh37 (hg19) VCF-style: chr1-41304061-C-G.
Other names: c.1792C>G, p.Leu598Val (NM_172163.3); short protein forms L652V, L598V.
Identifiers: ClinVar variation 179794 (VCV000179794.4), dbSNP rs727505133, ClinGen allele CA185147.

ClinVar aggregate classification (germline): Uncertain significance (1 of 4 stars; one submission).

Allele frequency attached by ClinVar (database versions not stated): gnomAD exomes below 0.00001.
gnomAD v4.1: 1 of 1,614,090 alleles (0.000062%); highest among the groups gnomAD compares: East Asian, 0.0022%; no homozygotes.

Submission:

Laboratory for Molecular Medicine, Mass General Brigham Personalized Medicine
Classification: Uncertain significance. Last evaluated: 2014-06-19. Review status: criteria provided, single submitter. Criteria: LMM Criteria. Collection method: clinical testing. Allele origin: germline. Observed: 1 variant allele.
Comment: The Leu652Val variant in KCNQ4 has not been reported in individuals with hearing loss or in large population studies. Computational prediction tools and conserv ation analyses do not provide strong support for or against an impact to the pro tein. In summary, the clinical significance of this variant is uncertain.